The following is an entry in ClinVar:

ClinVar aggregate classification (germline): Uncertain significance (1 of 4 stars; one submission).

Conditions:
Inborn genetic diseases. Identifiers: MedGen C0950123, MeSH D030342.

Submission:

Ambry Genetics
Classification: Uncertain significance for Inborn genetic diseases. Last evaluated: 2024-07-30. Review status: criteria provided, single submitter. Criteria: Ambry Variant Classification Scheme 2023. Collection method: clinical testing. Allele origin: germline.
Comment: The p.G414V variant (also known as c.1241G>T), located in coding exon 12 of the FUS gene, results from a G to T substitution at nucleotide position 1241. The glycine at codon 414 is replaced by valine, an amino acid with dissimilar properties. This amino acid position is conserved. In addition, the in silico prediction for this alteration is inconclusive. Based on the available evidence, the clinical significance of this variant remains unclear.

NM_004960.4(FUS):c.1241G>T (p.Gly414Val)

Gene: FUS (FUS RNA binding protein; plus strand). Cytogenetic location: 16p11.2.
Variant type: single nucleotide variant.
Coding change: c.1241G>T on transcript NM_004960.4 (MANE Select); coding-DNA position 1241, G replaced by T.
Protein change: p.Gly414Val; replaces glycine 414 with valine.
Molecular consequence: missense variant. On other transcripts: non-coding transcript variant (1).
Genome position (GRCh38, 1-based): chr16:31,190,347, G>T. VCF-style: chr16-31190347-G-T. GRCh37 (hg19) VCF-style: chr16-31201668-G-T.
Other names: c.1238G>T, p.Gly413Val (NM_001170634.1); c.1229G>T, p.Gly410Val (NM_001170937.1); short protein forms G410V, G413V, G414V.
Identifiers: ClinVar variation 3517743 (VCV003517743.1).
Genomic context (GRCh38, chr16:31,190,347, plus strand): 5'-GTGGAGGCTATGGAGGTGGTGGCAGTGGTGGTGGTGGCCGAGGAGGATTTCCCAGTGGAG[G>T]TGGTGGCGGTGGAGGACAGCAGCGAGCTGGTGACTGGAAGTGTCCTAATCCGTGAGTGAA-3'
Protein context (NP_004951.1, residues 404-424): GGGRGGFPSG[Gly414Val]GGGGGQQRAG